The following is an entry in ClinVar:

NM_001312909.2(FAM111A):c.1763G>T (p.Arg588Ile)

Gene: FAM111A (FAM111 trypsin like peptidase A; plus strand). Cytogenetic location: 11q12.1.
Variant type: single nucleotide variant.
Coding change: c.1763G>T on transcript NM_001312909.2 (MANE Select); coding-DNA position 1763, G replaced by T.
Protein change: p.Arg588Ile; replaces arginine 588 with isoleucine.
Molecular consequence: missense variant.
Genome position (GRCh38, 1-based): chr11:59,153,431, G>T. VCF-style: chr11-59153431-G-T. GRCh37 (hg19) VCF-style: chr11-58920904-G-T.
Other names: c.1763G>T, p.Arg588Ile (NM_001374855.1, NM_001374856.1, NM_001374857.1 and 29 more transcripts); short protein forms R588I.
Identifiers: ClinVar variation 2792170 (VCV002792170.3), dbSNP rs1161639007, ClinGen allele CA380790226.

ClinVar aggregate classification (germline): Uncertain significance (1 of 4 stars; one submission).

gnomAD v4.1: 3 of 1,613,898 alleles (0.00019%); no homozygotes.

Submission:

Labcorp Genetics (formerly Invitae), Labcorp
Classification: Uncertain significance. Last evaluated: 2023-06-14. Review status: criteria provided, single submitter. Criteria: Invitae Variant Classification Sherloc (09022015). Collection method: clinical testing. Allele origin: germline.
Comment: In summary, the available evidence is currently insufficient to determine the role of this variant in disease. Therefore, it has been classified as a Variant of Uncertain Significance. Advanced modeling of protein sequence and biophysical properties (such as structural, functional, and spatial information, amino acid conservation, physicochemical variation, residue mobility, and thermodynamic stability) performed at Invitae indicates that this missense variant is not expected to disrupt FAM111A protein function. This variant has not been reported in the literature in individuals affected with FAM111A-related conditions. This variant is present in population databases (no rsID available, gnomAD 0.006%). This sequence change replaces arginine, which is basic and polar, with isoleucine, which is neutral and non-polar, at codon 588 of the FAM111A protein (p.Arg588Ile).